The following is an entry in ClinVar:

ClinVar aggregate classification (germline): Likely benign. Review status: criteria provided, multiple submitters, no conflicts (2 of 4 stars). 3 submissions from 3 submitters: Likely benign (3). Last evaluated 2023-05-01.

Conditions:
Deficiency of alpha-mannosidase (MANSA). Also called: Mannosidosis, alpha-, types I and II; LYSOSOMAL ALPHA-D-MANNOSIDASE DEFICIENCY; Alpha-Mannosidosis. Identifiers: Orphanet 61, MedGen C0024748, MONDO:0009561, OMIM 248500.

Allele frequency attached by ClinVar (database versions not stated): 1000 Genomes Project 0.00200; 1000 Genomes Project 30x 0.00203; TOPMed 0.00605; ExAC 0.00625; gnomAD 0.00647 and 0.00673; ESP Exome Variant Server 0.00761.

Submissions (8):

CeGaT Center for Human Genetics Tuebingen
Classification: Likely benign. Last evaluated: 2023-05-01. Review status: criteria provided, single submitter. Criteria: CeGaT Center For Human Genetics Tuebingen Variant Classification Criteria Version 2. Collection method: clinical testing. Allele origin: germline. Affected: yes. Observed: 2 variant alleles.
Comment: MAN2B1: BS2

GeneDx
Classification: Likely benign. Last evaluated: 2021-05-26. Review status: criteria provided, single submitter. Criteria: GeneDx Variant Classification Process June 2021. Collection method: clinical testing. Allele origin: germline. Affected: yes.
Comment: See Variant Classification Assertion Criteria.

Illumina Laboratory Services, Illumina
Classification: Likely benign for Deficiency of alpha-mannosidase. Last evaluated: 2018-01-13. Review status: criteria provided, single submitter. Criteria: ICSL Variant Classification Criteria 13 December 2019. Collection method: clinical testing. Allele origin: germline.
Comment: This variant was observed in the ICSL laboratory as part of a predisposition screen in an ostensibly healthy population. It had not been previously curated by ICSL or reported in the Human Gene Mutation Database (HGMD: prior to June 1st, 2018), and was therefore a candidate for classification through an automated scoring system. Utilizing variant allele frequency, disease prevalence and penetrance estimates, and inheritance mode, an automated score was calculated to assess if this variant is too frequent to cause the disease. Based on the score and internal cut-off values, a variant classified as likely benign is not then subjected to further curation. The score for this variant resulted in a classification of likely benign for this disease.

Dr. Peter K. Rogan Lab, Western University
No classification provided (evidence only). Condition: Lung cancer. Review status: no classification provided. Collection method: in vitro. Allele origin: not applicable. Functional consequence: retained intron. Not counted in ClinVar's aggregate classification.

Dr. Peter K. Rogan Lab, Western University
No classification provided (evidence only). Condition: Lung cancer. Review status: no classification provided. Collection method: in vitro. Allele origin: not applicable. Functional consequence: retained intron. Not counted in ClinVar's aggregate classification.

Dr. Peter K. Rogan Lab, Western University
No classification provided (evidence only). Condition: Melanoma. Review status: no classification provided. Collection method: in vitro. Allele origin: not applicable. Functional consequence: retained intron. Not counted in ClinVar's aggregate classification.

Dr. Peter K. Rogan Lab, Western University
No classification provided (evidence only). Condition: Malignant lymphoma, large B-cell, diffuse. Review status: no classification provided. Collection method: in vitro. Allele origin: not applicable. Functional consequence: retained intron. Not counted in ClinVar's aggregate classification.

Dr. Peter K. Rogan Lab, Western University
No classification provided (evidence only). Condition: Gastric cancer. Review status: no classification provided. Collection method: in vitro. Allele origin: not applicable. Functional consequence: retained intron. Not counted in ClinVar's aggregate classification.

NM_000528.4(MAN2B1):c.*42G>A

Gene: MAN2B1 (mannosidase alpha class 2B member 1; minus strand). Cytogenetic location: 19p13.13.
Variant type: single nucleotide variant.
Coding change: c.*42G>A on transcript NM_000528.4 (MANE Select); 42 bases downstream of the stop codon, G replaced by A.
Molecular consequence: 3 prime UTR variant.
Genome position (GRCh38, 1-based): chr19:12,646,578, C>T on the plus strand (G>A on the coding strand, the complement: MAN2B1 is on the minus strand). VCF-style: chr19-12646578-C-T. GRCh37 (hg19) VCF-style: chr19-12757392-C-T.
Other names: NC_000019.9:g.12757392C>T; c.*42G>A (NM_001173498.2).
Identifiers: ClinVar variation 328250 (VCV000328250.31), dbSNP rs149101136, ClinGen allele CA9225821.